The following is an entry in ClinVar:

NM_198880.3(QRICH1):c.338A>G (p.Gln113Arg)

Gene: QRICH1 (glutamine rich 1; minus strand). Cytogenetic location: 3p21.31.
Variant type: single nucleotide variant.
Coding change: c.338A>G on transcript NM_198880.3 (MANE Select); coding-DNA position 338, A replaced by G.
Protein change: p.Gln113Arg; replaces glutamine 113 with arginine.
Molecular consequence: missense variant.
Genome position (GRCh38, 1-based): chr3:49,057,862, T>C on the plus strand (A>G on the coding strand, the complement: QRICH1 is on the minus strand). VCF-style: chr3-49057862-T-C. GRCh37 (hg19) VCF-style: chr3-49095295-T-C.
Other names: c.338A>G, p.Gln113Arg (NM_001320580.2, NM_001320581.2, NM_001320582.2 and 4 more transcripts); short protein forms Q113R.
Identifiers: ClinVar variation 4975767 (VCV004975767.1).

ClinVar aggregate classification (germline): Uncertain significance (1 of 4 stars; one submission).

gnomAD v4.1: 1 of 1,613,962 alleles (0.000062%); highest among the groups gnomAD compares: South Asian, 0.0011%; no homozygotes.

Submission:

GeneDx
Classification: Uncertain significance. Last evaluated: 2026-02-03. Review status: criteria provided, single submitter. Criteria: GeneDx Variant Classification Process June 2021. Collection method: clinical testing. Allele origin: germline.
Comment: Not observed at significant frequency in large population cohorts (gnomAD); In silico analysis suggests that this missense variant does not alter protein structure/function; Has not been previously published as pathogenic or benign to our knowledge